The following is an entry in ClinVar:

NM_001458.5(FLNC):c.1811T>C (p.Leu604Pro)

Gene: FLNC (filamin C; plus strand). Cytogenetic location: 7q32.1.
Variant type: single nucleotide variant.
Coding change: c.1811T>C on transcript NM_001458.5 (MANE Select); coding-DNA position 1811, T replaced by C.
Protein change: p.Leu604Pro; replaces leucine 604 with proline.
Molecular consequence: missense variant.
Genome position (GRCh38, 1-based): chr7:128,840,968, T>C. VCF-style: chr7-128840968-T-C. GRCh37 (hg19) VCF-style: chr7-128481022-T-C.
Other names: c.1811T>C, p.Leu604Pro (NM_001127487.2); short protein forms L604P.
Identifiers: ClinVar variation 2123767 (VCV002123767.4), dbSNP rs2536627397, ClinGen allele CA369227116.
Genomic context (GRCh38, chr7:128,840,968, plus strand): 5'-GCCAGGTGGGCAAGTCAGCCGATTTTGTGGTGGAAGCCATTGGCACCGAGGTGGGGACAC[T>C]GGGTAAGTGGCTGGGGGGCAGGAGGAGGGAGTGCTGCGGGGGAGGGCAGCAGGGGACACT-3'
Protein context (NP_001449.3, residues 594-614): VEAIGTEVGT[Leu604Pro]GFSIEGPSQA

ClinVar aggregate classification (germline): Uncertain significance (1 of 4 stars; one submission).

Conditions:
Myofibrillar myopathy 5. Also called: Filaminopathy (type); FILAMINOPATHY, AUTOSOMAL DOMINANT. Identifiers: Orphanet 171445, MedGen C1836050, MONDO:0012289, OMIM 609524.
Distal myopathy with posterior leg and anterior hand involvement. Also called: WILLIAMS DISTAL MYOPATHY. Identifiers: Orphanet 63273, MedGen C3279722, MONDO:0013550, OMIM 614065.
Hypertrophic cardiomyopathy 26. Also called: Cardiomyopathy, familial hypertrophic, 26. Identifiers: Orphanet 75249, MedGen C4310749, MONDO:0014883, OMIM 617047.

Allele frequency attached by ClinVar (database versions not stated): gnomAD exomes below 0.00001.

Submission:

Labcorp Genetics (formerly Invitae), Labcorp
Classification: Uncertain significance for Distal myopathy with posterior leg and anterior hand involvement; Myofibrillar myopathy 5; Hypertrophic cardiomyopathy 26. Last evaluated: 2022-04-09. Review status: criteria provided, single submitter. Criteria: Invitae Variant Classification Sherloc (09022015). Collection method: clinical testing. Allele origin: germline.
Comment: This variant has not been reported in the literature in individuals affected with FLNC-related conditions. This sequence change replaces leucine, which is neutral and non-polar, with proline, which is neutral and non-polar, at codon 604 of the FLNC protein (p.Leu604Pro). This variant is not present in population databases (gnomAD no frequency). Algorithms developed to predict the effect of missense changes on protein structure and function are either unavailable or do not agree on the potential impact of this missense change (SIFT: "Deleterious"; PolyPhen-2: "Probably Damaging"; Align-GVGD: "Class C0"). In summary, the available evidence is currently insufficient to determine the role of this variant in disease. Therefore, it has been classified as a Variant of Uncertain Significance.